The following is an entry in ClinVar:

ClinVar aggregate classification (germline): Uncertain significance (1 of 4 stars; one submission).

Submission:

GeneDx
Classification: Uncertain significance. Last evaluated: 2025-05-17. Review status: criteria provided, single submitter. Criteria: GeneDx Variant Classification Process June 2021. Collection method: clinical testing. Allele origin: germline. Affected: yes.
Comment: Not observed at significant frequency in large population cohorts (gnomAD); In silico analysis supports that this missense variant has a deleterious effect on protein structure/function; Has not been previously published as pathogenic or benign to our knowledge

NM_001394062.1(MACF1):c.1295A>C (p.Gln432Pro)

Gene: MACF1 (microtubule actin crosslinking factor 1; plus strand). Cytogenetic location: 1p34.3.
Variant type: single nucleotide variant.
Coding change: c.1295A>C on transcript NM_001394062.1 (MANE Select); coding-DNA position 1295, A replaced by C.
Protein change: p.Gln432Pro; replaces glutamine 432 with proline.
Molecular consequence: missense variant.
Genome position (GRCh38, 1-based): chr1:39,285,332, A>C. VCF-style: chr1-39285332-A-C. GRCh37 (hg19) VCF-style: chr1-39751004-A-C.
Other names: c.1310A>C, p.Gln437Pro (NM_012090.5); short protein forms Q432P, Q437P.
Identifiers: ClinVar variation 4529645 (VCV004529645.1).